The following is an entry in ClinVar:

ClinVar aggregate classification (germline): Benign/Likely benign. Review status: criteria provided, multiple submitters, no conflicts (2 of 4 stars). 5 submissions from 5 submitters: Benign (1); Likely benign (3). 1 of the submissions does not count toward it. Last evaluated 2025-11-05.

Conditions:
APC-related disorder. Also called: APC-related condition.
Hereditary cancer-predisposing syndrome. Also called: Neoplastic Syndromes, Hereditary; Tumor predisposition; Hereditary Cancer Syndrome; Hereditary neoplastic syndrome. Identifiers: Orphanet 140162, MedGen C0027672, MeSH D009386, MONDO:0015356.
Familial adenomatous polyposis 1 (FAP1). Also called: FAMILIAL ADENOMATOUS POLYPOSIS 1, ATTENUATED; POLYPOSIS, ADENOMATOUS INTESTINAL. Identifiers: MedGen C2713442, MONDO:0021056, OMIM 175100. Disease mechanism: loss of function.

Allele frequency attached by ClinVar (database versions not stated): ExAC 0.00001.
gnomAD v4.1: 15 of 1,613,850 alleles (0.00093%); highest among the groups gnomAD compares: Non-Finnish European, 0.0012%; no homozygotes.

Submissions (5):

Labcorp Genetics (formerly Invitae), Labcorp
Classification: Likely benign for Familial adenomatous polyposis 1. Last evaluated: 2025-11-05. Review status: criteria provided, single submitter. Criteria: Invitae Variant Classification Sherloc (09022015). Collection method: clinical testing. Allele origin: germline.

Myriad Genetics, Inc.
Classification: Benign for Familial adenomatous polyposis 1. Last evaluated: 2024-04-05. Review status: criteria provided, single submitter. Criteria: Myriad Autosomal Dominant, Autosomal Recessive and X-Linked Classification Criteria (2023). Collection method: clinical testing. Allele origin: unknown.
Comment: This variant is considered benign. This variant is a silent/synonymous amino acid change and it is not expected to impact splicing.

GeneDx
Classification: Likely benign. Last evaluated: 2017-12-07. Review status: criteria provided, single submitter. Criteria: GeneDx Variant Classification (06012015). Collection method: clinical testing. Allele origin: germline. Affected: yes.
Comment: This variant is considered likely benign or benign based on one or more of the following criteria: it is a conservative change, it occurs at a poorly conserved position in the protein, it is predicted to be benign by multiple in silico algorithms, and/or has population frequency not consistent with disease.

Ambry Genetics
Classification: Likely benign for Hereditary cancer-predisposing syndrome. Last evaluated: 2017-03-10. Review status: criteria provided, single submitter. Criteria: Ambry Variant Classification Scheme 2023. Collection method: clinical testing. Allele origin: germline.

PreventionGenetics, part of Exact Sciences
Classification: Likely benign for APC-related condition. Last evaluated: 2023-11-16. Review status: no assertion criteria provided. Collection method: clinical testing. Allele origin: germline. Not counted in ClinVar's aggregate classification.
Comment: This variant is classified as likely benign based on ACMG/AMP sequence variant interpretation guidelines (Richards et al. 2015 PMID: 25741868, with internal and published modifications).

NM_000038.6(APC):c.6729A>G (p.Thr2243=)

Gene: APC (APC regulator of Wnt signaling pathway; plus strand). Cytogenetic location: 5q22.2.
Variant type: single nucleotide variant.
Coding change: c.6729A>G on transcript NM_000038.6 (MANE Select); coding-DNA position 6729, A replaced by G.
Protein change: p.Thr2243=; no amino-acid change (threonine 2243 retained).
Molecular consequence: synonymous variant.
Genome position (GRCh38, 1-based): chr5:112,842,323, A>G. VCF-style: chr5-112842323-A-G. GRCh37 (hg19) VCF-style: chr5-112178020-A-G.
Other names: c.6729A>G, p.Thr2243= (NM_001127510.3, NM_001354895.2); c.6675A>G, p.Thr2225= (NM_001127511.3); c.6783A>G, p.Thr2261= (NM_001354896.2); c.6759A>G, p.Thr2253= (NM_001354897.2); c.6654A>G, p.Thr2218= (NM_001354898.2); c.6645A>G, p.Thr2215= (NM_001354899.2); c.6606A>G, p.Thr2202= (NM_001354900.2); c.6552A>G, p.Thr2184= (NM_001354901.2); and 5 more.
Identifiers: ClinVar variation 482451 (VCV000482451.20), dbSNP rs761296130, ClinGen allele CA045918.